The following is an entry in ClinVar:

ClinVar aggregate classification (germline): Uncertain significance (1 of 4 stars; one submission).

Conditions:
Bethlem myopathy 1A. Also called: Bethlem Muscular Dystrophy; Bethlem myopathy 1; MYOPATHY, BENIGN CONGENITAL, WITH CONTRACTURES. Identifiers: Orphanet 610, MedGen CN029274, MONDO:0024530, OMIM 158810.

Allele frequency attached by ClinVar (database versions not stated): gnomAD exomes below 0.00001.
gnomAD v4.1: 1 of 1,614,246 alleles (0.000062%); highest among the groups gnomAD compares: Non-Finnish European, 0.000085%; no homozygotes.

Submission:

Labcorp Genetics (formerly Invitae), Labcorp
Classification: Uncertain significance for Bethlem myopathy 1A. Last evaluated: 2021-01-23. Review status: criteria provided, single submitter. Criteria: Invitae Variant Classification Sherloc (09022015). Collection method: clinical testing. Allele origin: germline.
Comment: This variant is not present in population databases (ExAC no frequency). This sequence change replaces glutamine with glutamic acid at codon 2525 of the COL6A3 protein (p.Gln2525Glu). The glutamine residue is moderately conserved and there is a small physicochemical difference between glutamine and glutamic acid. This variant has not been reported in the literature in individuals with COL6A3-related conditions. ClinVar contains an entry for this variant (Variation ID: 971951). In summary, the available evidence is currently insufficient to determine the role of this variant in disease. Therefore, it has been classified as a Variant of Uncertain Significance. Algorithms developed to predict the effect of missense changes on protein structure and function output the following: SIFT: "Tolerated"; PolyPhen-2: "Not Available"; Align-GVGD: "Class C0". The glutamic acid amino acid residue is found in multiple mammalian species, suggesting that this missense change does not adversely affect protein function. These predictions have not been confirmed by published functional studies and their clinical significance is uncertain.

NM_004369.4(COL6A3):c.7573C>G (p.Gln2525Glu)

Gene: COL6A3 (collagen type VI alpha 3 chain; minus strand). Cytogenetic location: 2q37.3.
Variant type: single nucleotide variant.
Coding change: c.7573C>G on transcript NM_004369.4 (MANE Select); coding-DNA position 7573, C replaced by G.
Protein change: p.Gln2525Glu; replaces glutamine 2525 with glutamic acid.
Molecular consequence: missense variant.
Genome position (GRCh38, 1-based): chr2:237,344,445, G>C on the plus strand (C>G on the coding strand, the complement: COL6A3 is on the minus strand). VCF-style: chr2-237344445-G-C. GRCh37 (hg19) VCF-style: chr2-238253088-G-C.
Other names: c.5752C>G, p.Gln1918Glu (NM_057166.5); c.6955C>G, p.Gln2319Glu (NM_057167.4); short protein forms Q1918E, Q2525E, Q2319E.
Identifiers: ClinVar variation 971951 (VCV000971951.10), dbSNP rs2077056501, ClinGen allele CA351202066.